The following is an entry in ClinVar:

NM_007348.4(ATF6):c.494T>C (p.Leu165Pro)

Gene: ATF6 (activating transcription factor 6; plus strand). Cytogenetic location: 1q23.3.
Variant type: single nucleotide variant.
Coding change: c.494T>C on transcript NM_007348.4 (MANE Select); coding-DNA position 494, T replaced by C.
Protein change: p.Leu165Pro; replaces leucine 165 with proline.
Molecular consequence: missense variant.
Genome position (GRCh38, 1-based): chr1:161,792,133, T>C. VCF-style: chr1-161792133-T-C. GRCh37 (hg19) VCF-style: chr1-161761923-T-C.
Other names: short protein forms L165P.
Identifiers: ClinVar variation 1382943 (VCV001382943.6), dbSNP rs1684895628, ClinGen allele CA343386344.

ClinVar aggregate classification (germline): Uncertain significance (1 of 4 stars; one submission).

Submission:

Labcorp Genetics (formerly Invitae), Labcorp
Classification: Uncertain significance. Last evaluated: 2024-10-24. Review status: criteria provided, single submitter. Criteria: Invitae Variant Classification Sherloc (09022015). Collection method: clinical testing. Allele origin: germline.
Comment: This sequence change replaces leucine, which is neutral and non-polar, with proline, which is neutral and non-polar, at codon 165 of the ATF6 protein (p.Leu165Pro). This variant is not present in population databases (gnomAD no frequency). This variant has not been reported in the literature in individuals affected with ATF6-related conditions. ClinVar contains an entry for this variant (Variation ID: 1382943). Invitae Evidence Modeling of protein sequence and biophysical properties (such as structural, functional, and spatial information, amino acid conservation, physicochemical variation, residue mobility, and thermodynamic stability) indicates that this missense variant is not expected to disrupt ATF6 protein function with a negative predictive value of 80%. In summary, the available evidence is currently insufficient to determine the role of this variant in disease. Therefore, it has been classified as a Variant of Uncertain Significance.